The following is an entry in ClinVar:

NM_006907.4(PYCR1):c.743G>A (p.Gly248Glu)

Gene: PYCR1 (pyrroline-5-carboxylate reductase 1; minus strand). Cytogenetic location: 17q25.3.
Variant type: single nucleotide variant.
Coding change: c.743G>A on transcript NM_006907.4 (MANE Select); coding-DNA position 743, G replaced by A.
Protein change: p.Gly248Glu; replaces glycine 248 with glutamic acid.
Molecular consequence: missense variant. On other transcripts: intron variant (1).
Genome position (GRCh38, 1-based): chr17:81,934,380, C>T on the plus strand (G>A on the coding strand, the complement: PYCR1 is on the minus strand). VCF-style: chr17-81934380-C-T. GRCh37 (hg19) VCF-style: chr17-79892256-C-T.
Other names: c.633+273G>A (NM_001330523.2); c.650G>A, p.Gly217Glu (NM_001282279.2); c.743G>A, p.Gly248Glu (NM_001282280.2, NM_153824.3); c.824G>A, p.Gly275Glu (NM_001282281.2); short protein forms G248E, G275E, G217E.
Identifiers: ClinVar variation 29865 (VCV000029865.5), dbSNP rs281875319, ClinGen allele CA128702.

ClinVar aggregate classification (germline): Uncertain significance. Review status: criteria provided, multiple submitters, no conflicts (2 of 4 stars). 4 submissions from 4 submitters: Uncertain significance (2). 2 of the submissions do not count toward it. Last evaluated 2024-05-20.

Conditions:
PYCR1-related de Barsy syndrome. Also called: CUTIS LAXA, AUTOSOMAL RECESSIVE, TYPE IIIB; DE BARSY SYNDROME B. Identifiers: Orphanet 293633, Orphanet 2962, MedGen C3280799, MONDO:0013755, OMIM 614438.

Allele frequency attached by ClinVar (database versions not stated): TOPMed 0.00001; gnomAD exomes 0.00002 and below 0.00001; ExAC 0.00004; gnomAD 0.00001.
gnomAD v4.1: 5 of 1,612,692 alleles (0.00031%); highest among the groups gnomAD compares: East Asian, 0.0067%; no homozygotes.

Submissions (4):

Women's Health and Genetics/Laboratory Corporation of America, LabCorp
Classification: Uncertain significance. Last evaluated: 2024-05-20. Review status: criteria provided, single submitter. Criteria: LabCorp Variant Classification Summary - May 2015. Collection method: clinical testing. Allele origin: germline.
Comment: Variant summary: PYCR1 c.743G>A (p.Gly248Glu) results in a non-conservative amino acid change located in the Pyrroline-5-carboxylate reductase, dimerisation domain (IPR029036) of the encoded protein sequence. Four of five in-silico tools predict a damaging effect of the variant on protein function. The variant allele was found at a frequency of 2.4e-05 in 247888 control chromosomes. c.743G>A has been reported in the literature in compound heterozygous individuals affected with Cutis Laxa - PYCR1 Related (Lin_2011, Dimopoulou_2013). These data indicate that the variant may be associated with disease. To our knowledge, no experimental evidence demonstrating an impact on protein function has been reported. The following publications have been ascertained in the context of this evaluation (PMID: 24035636, 22052856). ClinVar contains an entry for this variant (Variation ID: 29865). Based on the evidence outlined above, the variant was classified as VUS-possibly pathogenic.

Revvity Omics, Revvity
Classification: Uncertain significance. Last evaluated: 2020-07-22. Review status: criteria provided, single submitter. Criteria: ACMG Guidelines, 2015. Collection method: clinical testing. Allele origin: germline.

OMIM
Classification: Pathogenic for CUTIS LAXA, AUTOSOMAL RECESSIVE, TYPE IIIB. Last evaluated: 2011-12-01. Review status: no assertion criteria provided. Collection method: literature only. Allele origin: germline. Not counted in ClinVar's aggregate classification.

UniProtKB/Swiss-Prot
No classification provided. Review status: no classification provided. Collection method: not provided. Allele origin: not provided. Not counted in ClinVar's aggregate classification.

Literature cited by the submitters: PubMed 24035636 (cited by Women's Health and Genetics/Laboratory Corporation of America, LabCorp); PubMed 22052856 (cited by Women's Health and Genetics/Laboratory Corporation of America, LabCorp and OMIM).